The following is an entry in ClinVar:

ClinVar aggregate classification (germline): Pathogenic (1 of 4 stars; one submission).

Conditions:
Neuropathy, hereditary sensory, type 2C. Also called: Hereditary sensory and autonomic neuropathy type IIC; KIF1A-Related HSAN2 (HSAN2C). Identifiers: Orphanet 970, MedGen C3280168, MONDO:0013634, OMIM 614213.
Intellectual disability, autosomal dominant 9 (NESCAVS). Also called: NESCAV SYNDROME; KIF1A-Related Neurodevelopmental Disorder. Identifiers: Orphanet 662367, MedGen C5393830, MONDO:0013656, OMIM 614255.
Hereditary spastic paraplegia 30. Identifiers: Orphanet 101010, MedGen C5235139, MONDO:0012476.

Submission:

Labcorp Genetics (formerly Invitae), Labcorp
Classification: Pathogenic for Hereditary spastic paraplegia 30; Neuropathy, hereditary sensory, type 2C; Intellectual disability, autosomal dominant 9. Last evaluated: 2024-03-07. Review status: criteria provided, single submitter. Criteria: Invitae Variant Classification Sherloc (09022015). Collection method: clinical testing. Allele origin: germline.
Comment: This sequence change creates a premature translational stop signal (p.Leu809Trpfs*3) in the KIF1A gene. It is expected to result in an absent or disrupted protein product. Loss-of-function variants in KIF1A are known to be pathogenic (PMID: 21820098). This variant is not present in population databases (gnomAD no frequency). This variant has not been reported in the literature in individuals affected with KIF1A-related conditions. ClinVar contains an entry for this variant (Variation ID: 2127421). For these reasons, this variant has been classified as Pathogenic.

Literature cited by the submitters: PubMed 21820098.

NM_001244008.2(KIF1A):c.2451del (p.Leu818fs)

Gene: KIF1A (kinesin family member 1A; minus strand). Cytogenetic location: 2q37.3.
Variant type: Deletion.
Coding change: c.2451del on transcript NM_001244008.2 (MANE Select); coding-DNA position 2451, one base deleted (T; older notation c.2451delT).
Protein change: p.Leu818fs; shifts the reading frame from leucine 818.
Molecular consequence: frameshift variant.
Genome position (GRCh38, 1-based): chr2:240,758,491, A deleted on the plus strand (T on the coding strand, the reverse complement: KIF1A is on the minus strand). VCF-style (leftmost placement, unchanged base first): chr2-240758490-GA-G. GRCh37 (hg19) VCF-style: chr2-241697907-GA-G.
Other names: c.2451del, p.Leu818fs (NM_001320705.2, NM_001330289.2, NM_001379638.1); c.2526del, p.Leu843fs (NM_001330290.2, NM_001379631.1, NM_001379634.1 and 2 more transcripts); c.2424del, p.Leu809fs (NM_001379632.1, NM_001379633.1, NM_001379636.1 and 10 more transcripts); c.2499del, p.Leu834fs (NM_001379637.1, NM_001379648.1); c.2424delT, p.Leu809Trpfs (NM_001379654.1); short protein forms L834fs, L809fs, L818fs, L843fs.
Identifiers: ClinVar variation 2127421 (VCV002127421.4), dbSNP rs2537539083, ClinGen allele CA2580068101.